The following is an entry in ClinVar:

ClinVar aggregate classification (germline): Uncertain significance (1 of 4 stars; one submission).

Submission:

Women's Health and Genetics/Laboratory Corporation of America, LabCorp
Classification: Uncertain significance. Last evaluated: 2023-08-25. Review status: criteria provided, single submitter. Criteria: LabCorp Variant Classification Summary - May 2015. Collection method: clinical testing. Allele origin: germline.
Comment: Variant summary: EIF2AK1 c.631G>C (p.Val211Leu) results in a conservative amino acid change located in the Protein kinase domain (IPR000719) of the encoded protein sequence. Three of five in-silico tools predict a benign effect of the variant on protein function. Consensus agreement among computation tools predict no significant impact on normal splicing. However, these predictions have yet to be confirmed by functional studies. The variant was absent in 250612 control chromosomes. The available data on variant occurrences in the general population are insufficient to allow any conclusion about variant significance. To our knowledge, no occurrence of c.631G>C in individuals affected with Leukoencephalopathy, Motor Delay, Spasticity, And Dysarthria Syndrome and no experimental evidence demonstrating its impact on protein function have been reported. No submitters have cited clinical-significance assessments for this variant to ClinVar after 2014. Based on the evidence outlined above, the variant was classified as uncertain significance.

NM_014413.4(EIF2AK1):c.631G>C (p.Val211Leu)

Gene: EIF2AK1 (eukaryotic translation initiation factor 2 alpha kinase 1; minus strand). Cytogenetic location: 7p22.1.
Variant type: single nucleotide variant.
Coding change: c.631G>C on transcript NM_014413.4 (MANE Select); coding-DNA position 631, G replaced by C.
Protein change: p.Val211Leu; replaces valine 211 with leucine.
Molecular consequence: missense variant.
Genome position (GRCh38, 1-based): chr7:6,044,661, C>G on the plus strand (G>C on the coding strand, the complement: EIF2AK1 is on the minus strand). VCF-style: chr7-6044661-C-G. GRCh37 (hg19) VCF-style: chr7-6084292-C-G.
Other names: c.631G>C, p.Val211Leu (NM_001134335.2); short protein forms V211L.
Identifiers: ClinVar variation 2581383 (VCV002581383.1), dbSNP rs2536910741, ClinGen allele CA366755603.